The following is an entry in ClinVar:

NM_002485.5(NBN):c.1395A>T (p.Lys465Asn)

Gene: NBN (nibrin; minus strand). Cytogenetic location: 8q21.3.
Variant type: single nucleotide variant.
Coding change: c.1395A>T on transcript NM_002485.5 (MANE Select); coding-DNA position 1395, A replaced by T.
Protein change: p.Lys465Asn; replaces lysine 465 with asparagine.
Molecular consequence: missense variant.
Genome position (GRCh38, 1-based): chr8:89,955,285, T>A on the plus strand (A>T on the coding strand, the complement: NBN is on the minus strand). VCF-style: chr8-89955285-T-A. GRCh37 (hg19) VCF-style: chr8-90967513-T-A.
Other names: c.1149A>T, p.Lys383Asn (NM_001024688.3, NM_001440379.1, NM_001440380.1); short protein forms K465N, K383N.
Identifiers: ClinVar variation 5025416 (VCV005025416.1).
Genomic context (GRCh38, chr8:89,955,285, plus strand): 5'-AGTATAAAAAACTTTCATTTTTTTTTCAGAGACATGAGAGAAGTTATCAAAAACAGACCT[T>A]TTTTTGGTAGACGGCTGAAAGTAGTTTCTGATGGAGTTGGTCTGCTGCTGCTGAGAAGCC-3'
Protein context (NP_002476.2, residues 455-475): IRNYFQPSTK[Lys465Asn]RERDEENQEM

ClinVar aggregate classification (germline): Uncertain significance (1 of 4 stars; one submission).

Conditions:
Hereditary cancer-predisposing syndrome. Also called: Neoplastic Syndromes, Hereditary; Tumor predisposition; Hereditary neoplastic syndrome; Hereditary Cancer Syndrome. Identifiers: Orphanet 140162, MedGen C0027672, MeSH D009386, MONDO:0015356.

Submission:

Ambry Genetics
Classification: Uncertain significance for Hereditary cancer-predisposing syndrome. Last evaluated: 2026-08-08. Review status: criteria provided, single submitter. Criteria: Ambry Variant Classification Scheme 2023. Collection method: clinical testing. Allele origin: germline.
Comment: The p.K465N variant (also known as c.1395A>T), located in coding exon 10 of the NBN gene, results from an A to T substitution at nucleotide position 1395. The lysine at codon 465 is replaced by asparagine, an amino acid with similar properties. This amino acid position is conserved. In addition, this alteration is predicted to be tolerated by in silico analysis. Based on the available evidence, the clinical significance of this variant remains unclear.